The following is an entry in ClinVar:

NM_025074.7(FRAS1):c.8414A>G (p.Asn2805Ser)

Gene: FRAS1 (Fraser extracellular matrix complex subunit 1; plus strand). Cytogenetic location: 4q21.21.
Variant type: single nucleotide variant.
Coding change: c.8414A>G on transcript NM_025074.7 (MANE Select); coding-DNA position 8414, A replaced by G.
Protein change: p.Asn2805Ser; replaces asparagine 2805 with serine.
Molecular consequence: missense variant.
Genome position (GRCh38, 1-based): chr4:78,479,689, A>G. VCF-style: chr4-78479689-A-G. GRCh37 (hg19) VCF-style: chr4-79400843-A-G.
Other names: short protein forms N2805S.
Identifiers: ClinVar variation 697809 (VCV000697809.17), dbSNP rs117838818, ClinGen allele CA2978349.

ClinVar aggregate classification (germline): Conflicting classifications of pathogenicity. Review status: criteria provided, conflicting classifications (1 of 4 stars). 5 submissions from 5 submitters: Uncertain significance (2); Likely benign (1). 2 of the submissions do not count toward it. Last evaluated 2025-11-16.

Conditions:
Inborn genetic diseases. Identifiers: MedGen C0950123, MeSH D030342.
FRAS1-related disorder. Also called: FRAS1-related condition.
Fraser syndrome 1 (FRASRS1). Also called: CRYPTOPHTHALMOS WITH OTHER MALFORMATIONS. Identifiers: Orphanet 2052, MedGen C4551480, MONDO:0054737, OMIM 219000.
Microcephaly. Also called: Microcephaly (disease). Identifiers: MedGen C4551563, MONDO:0001149, HP:0000252.

Allele frequency attached by ClinVar (database versions not stated): TOPMed 0.00002; gnomAD 0.00003 and 0.00008; gnomAD exomes 0.00013 and 0.00021; ExAC 0.00018; 1000 Genomes Project 30x 0.00047; 1000 Genomes Project 0.00060.
gnomAD v4.1: 298 of 1,599,082 alleles (0.019%); highest among the groups gnomAD compares: East Asian, 0.67%; 3 homozygotes.

Submissions (5):

Labcorp Genetics (formerly Invitae), Labcorp
Classification: Likely benign. Last evaluated: 2025-11-16. Review status: criteria provided, single submitter. Criteria: Invitae Variant Classification Sherloc (09022015). Collection method: clinical testing. Allele origin: germline.

Ambry Genetics
Classification: Uncertain significance for Inborn genetic diseases. Last evaluated: 2024-03-16. Review status: criteria provided, single submitter. Criteria: Ambry Variant Classification Scheme 2023. Collection method: clinical testing. Allele origin: germline.

Illumina Laboratory Services, Illumina
Classification: Uncertain significance for Fraser syndrome 1. Last evaluated: 2018-01-13. Review status: criteria provided, single submitter. Criteria: ICSL Variant Classification Criteria 13 December 2019. Collection method: clinical testing. Allele origin: germline.

PreventionGenetics, part of Exact Sciences
Classification: Likely benign for FRAS1-related condition. Last evaluated: 2020-07-28. Review status: no assertion criteria provided. Collection method: clinical testing. Allele origin: germline. Not counted in ClinVar's aggregate classification.
Comment: This variant is classified as likely benign based on ACMG/AMP sequence variant interpretation guidelines (Richards et al. 2015 PMID: 25741868, with internal and published modifications).

Department of Pediatrics, Samsung Medical Center, Samsung Medical Center
Classification: Uncertain significance for Microcephaly. Review status: no assertion criteria provided. Criteria: ACMG Guidelines, 2015. Collection method: research. Allele origin: germline. Affected: yes. Not counted in ClinVar's aggregate classification.